The following is an entry in ClinVar:

NM_005751.5(AKAP9):c.211C>G (p.Gln71Glu)

Gene: AKAP9 (A-kinase anchoring protein 9; plus strand). Cytogenetic location: 7q21.2.
Variant type: single nucleotide variant.
Coding change: c.211C>G on transcript NM_005751.5 (MANE Select); coding-DNA position 211, C replaced by G.
Protein change: p.Gln71Glu; replaces glutamine 71 with glutamic acid.
Molecular consequence: missense variant.
Genome position (GRCh38, 1-based): chr7:91,973,873, C>G. VCF-style: chr7-91973873-C-G. GRCh37 (hg19) VCF-style: chr7-91603187-C-G.
Other names: c.211C>G (NM_005751.4); c.211C>G, p.Gln71Glu (NM_147185.3); short protein forms Q71E.
Identifiers: ClinVar variation 1023407 (VCV001023407.12), dbSNP rs61757668, ClinGen allele CA4335749.

ClinVar aggregate classification (germline): Uncertain significance. Review status: criteria provided, multiple submitters, no conflicts (2 of 4 stars). 3 submissions from 3 submitters: Uncertain significance (3). Last evaluated 2025-10-25.

Conditions:
Cardiovascular phenotype. Identifiers: MedGen CN230736.
Long QT syndrome (LQTS). Identifiers: MedGen C0023976, MeSH D008133, MONDO:0002442. Disease mechanism: loss of function. Inheritance: Various modes of inheritance.
Long QT syndrome 11 (LQT11). Identifiers: Orphanet 101016, Orphanet 768, MedGen C2678483, MONDO:0012738, OMIM 611820.

Allele frequency attached by ClinVar (database versions not stated): TOPMed below 0.00001; gnomAD exomes 0.00002; ExAC 0.00003.
gnomAD v4.1: 23 of 1,613,998 alleles (0.0014%); highest among the groups gnomAD compares: Non-Finnish European, 0.0019%; no homozygotes.

Submissions (3):

Ambry Genetics
Classification: Uncertain significance for Cardiovascular phenotype. Last evaluated: 2025-10-25. Review status: criteria provided, single submitter. Criteria: Ambry Variant Classification Scheme 2023. Collection method: clinical testing. Allele origin: germline.
Comment: The p.Q71E variant (also known as c.211C>G), located in coding exon 2 of the AKAP9 gene, results from a C to G substitution at nucleotide position 211. The glutamine at codon 71 is replaced by glutamic acid, an amino acid with highly similar properties. This amino acid position is conserved. In addition, this alteration is predicted to be tolerated by in silico analysis. Since supporting evidence is limited at this time, the clinical significance of this alteration remains unclear.

Labcorp Genetics (formerly Invitae), Labcorp
Classification: Uncertain significance for Long QT syndrome. Last evaluated: 2025-04-22. Review status: criteria provided, single submitter. Criteria: Invitae Variant Classification Sherloc (09022015). Collection method: clinical testing. Allele origin: germline.
Comment: This sequence change replaces glutamine, which is neutral and polar, with glutamic acid, which is acidic and polar, at codon 71 of the AKAP9 protein (p.Gln71Glu). This variant is present in population databases (rs61757668, gnomAD 0.005%). This variant has not been reported in the literature in individuals affected with AKAP9-related conditions. ClinVar contains an entry for this variant (Variation ID: 1023407). An algorithm developed to predict the effect of missense changes on protein structure and function (PolyPhen-2) suggests that this variant is likely to be disruptive. In summary, the available evidence is currently insufficient to determine the role of this variant in disease. Therefore, it has been classified as a Variant of Uncertain Significance.

Fulgent Genetics
Classification: Uncertain significance for Long QT syndrome 11. Last evaluated: 2021-10-25. Review status: criteria provided, single submitter. Criteria: ACMG Guidelines, 2015. Collection method: clinical testing. Allele origin: unknown.